The following is an entry in ClinVar:

ClinVar aggregate classification (germline): Likely benign (1 of 4 stars; one submission).

Allele frequency attached by ClinVar (database versions not stated): TOPMed 0.00010; gnomAD exomes 0.00019; ESP Exome Variant Server 0.00023; ExAC 0.00064.
gnomAD v4.1: 318 of 1,612,742 alleles (0.02%); highest among the groups gnomAD compares: Non-Finnish European, 0.02%; no homozygotes.

Submission:

CeGaT Center for Human Genetics Tuebingen
Classification: Likely benign. Last evaluated: 2022-10-01. Review status: criteria provided, single submitter. Criteria: CeGaT Center For Human Genetics Tuebingen Variant Classification Criteria Version 2. Collection method: clinical testing. Allele origin: germline. Affected: yes. Observed: 1 variant allele.
Comment: CAPN15: BP4, BP7

NM_005632.3(CAPN15):c.1485C>T (p.Pro495=)

Gene: CAPN15 (calpain 15; plus strand). Cytogenetic location: 16p13.3.
Variant type: single nucleotide variant.
Coding change: c.1485C>T on transcript NM_005632.3 (MANE Select); coding-DNA position 1485, C replaced by T.
Protein change: p.Pro495=; no amino-acid change (proline 495 retained).
Molecular consequence: synonymous variant.
Genome position (GRCh38, 1-based): chr16:549,028, C>T. VCF-style: chr16-549028-C-T. GRCh37 (hg19) VCF-style: chr16-599028-C-T.
Identifiers: ClinVar variation 2645803 (VCV002645803.24), dbSNP rs148686276, ClinGen allele CA7778352.